The following is an entry in ClinVar:

ClinVar aggregate classification (germline): Conflicting classifications of pathogenicity. Review status: criteria provided, conflicting classifications (1 of 4 stars). 2 submissions from 2 submitters: Uncertain significance (1); Likely benign (1). Last evaluated 2025-12-20.

Conditions:
Cardiovascular phenotype. Identifiers: MedGen CN230736.
Long QT syndrome (LQTS). Identifiers: MedGen C0023976, MeSH D008133, MONDO:0002442. Disease mechanism: loss of function. Inheritance: Various modes of inheritance.

Allele frequency attached by ClinVar (database versions not stated): gnomAD exomes below 0.00001; ExAC 0.00001; gnomAD 0.00002; TOPMed 0.00002; ESP Exome Variant Server 0.00008.
gnomAD v4.1: 3 of 1,613,538 alleles (0.00019%); highest among the groups gnomAD compares: African/African-American, 0.004%; no homozygotes.

Submissions (2):

Labcorp Genetics (formerly Invitae), Labcorp
Classification: Uncertain significance for Long QT syndrome. Last evaluated: 2025-12-20. Review status: criteria provided, single submitter. Criteria: Invitae Variant Classification Sherloc (09022015). Collection method: clinical testing. Allele origin: germline.
Comment: This sequence change replaces arginine, which is basic and polar, with threonine, which is neutral and polar, at codon 2040 of the ANK2 protein (p.Arg2040Thr). This variant is present in population databases (rs140462708, gnomAD 0.007%). This variant has not been reported in the literature in individuals affected with ANK2-related conditions. ClinVar contains an entry for this variant (Variation ID: 1406966). An algorithm developed to predict the effect of missense changes on protein structure and function (PolyPhen-2) suggests that this variant is likely to be tolerated. In summary, the available evidence is currently insufficient to determine the role of this variant in disease. Therefore, it has been classified as a Variant of Uncertain Significance.

Ambry Genetics
Classification: Likely benign for Cardiovascular phenotype. Last evaluated: 2021-07-25. Review status: criteria provided, single submitter. Criteria: Ambry Variant Classification Scheme 2023. Collection method: clinical testing. Allele origin: germline.

NM_001148.6(ANK2):c.6119G>C (p.Arg2040Thr)

Genes: ANK2 (ankyrin 2; plus strand), LOC126807136 (MED14-independent group 3 enhancer GRCh37_chr4:114274931-114276130; plus strand). Cytogenetic location: 4q26.
Variant type: single nucleotide variant.
Coding change: c.6119G>C on transcript NM_001148.6 (MANE Select); coding-DNA position 6119, G replaced by C.
Protein change: p.Arg2040Thr; replaces arginine 2040 with threonine.
Molecular consequence: missense variant. On other transcripts: intron variant (68).
Genome position (GRCh38, 1-based): chr4:113,354,737, G>C. VCF-style: chr4-113354737-G-C. GRCh37 (hg19) VCF-style: chr4-114275893-G-C.
Other names: c.5885G>C, p.Arg1962Thr (NM_001386142.1); c.2519G>C, p.Arg840Thr (NM_001386166.1); c.6260G>C, p.Arg2087Thr (NM_001386174.1); c.6236G>C, p.Arg2079Thr (NM_001386175.1); c.4411+4488G>C (NM_001386186.2, NM_001386148.2); c.4213+4488G>C (NM_001354269.3); c.4291+4488G>C (NM_001386187.2); c.4252+4488G>C (NM_001386147.1); and 35 more; short protein forms R1962T, R840T, R2040T, R2079T, R2087T.
Identifiers: ClinVar variation 1406966 (VCV001406966.10), dbSNP rs140462708, ClinGen allele CA3051366.
Genomic context (GRCh38, chr4:113,354,737, plus strand): 5'-AGCCACAAGAGAAAGGTAAAGTTCGGGTAGAAAAAGAAAAGGGGCCGATACTAACCCAGA[G>C]AGAAGCTCAGAAAACAGAGAATCAGACAATCAAACGAGGCCAGAGACTCCCGGTAACGGG-3'
Protein context (NP_001139.3, residues 2030-2050): EKEKGPILTQ[Arg2040Thr]EAQKTENQTI